The following is an entry in ClinVar:

ClinVar aggregate classification (germline): Uncertain significance (1 of 4 stars; one submission).

gnomAD v4.1: 2 of 1,613,934 alleles (0.00012%); highest among the groups gnomAD compares: Non-Finnish European, 0.00017%; no homozygotes.

Submission:

Labcorp Genetics (formerly Invitae), Labcorp
Classification: Uncertain significance. Last evaluated: 2021-10-13. Review status: criteria provided, single submitter. Criteria: Invitae Variant Classification Sherloc (09022015). Collection method: clinical testing. Allele origin: germline.
Comment: This sequence change replaces isoleucine with leucine at codon 325 of the FLVCR1 protein (p.Ile325Leu). The isoleucine residue is highly conserved and there is a small physicochemical difference between isoleucine and leucine. This variant is not present in population databases (ExAC no frequency). This variant has not been reported in the literature in individuals affected with FLVCR1-related conditions. Algorithms developed to predict the effect of missense changes on protein structure and function (SIFT, PolyPhen-2, Align-GVGD) all suggest that this variant is likely to be tolerated. In summary, the available evidence is currently insufficient to determine the role of this variant in disease. Therefore, it has been classified as a Variant of Uncertain Significance.

NM_014053.4(FLVCR1):c.973A>C (p.Ile325Leu)

Gene: FLVCR1 (FLVCR choline and heme transporter 1; plus strand). Cytogenetic location: 1q32.3.
Variant type: single nucleotide variant.
Coding change: c.973A>C on transcript NM_014053.4 (MANE Select); coding-DNA position 973, A replaced by C.
Protein change: p.Ile325Leu; replaces isoleucine 325 with leucine.
Molecular consequence: missense variant.
Genome position (GRCh38, 1-based): chr1:212,872,767, A>C. VCF-style: chr1-212872767-A-C. GRCh37 (hg19) VCF-style: chr1-213046109-A-C.
Other names: short protein forms I325L.
Identifiers: ClinVar variation 1510548 (VCV001510548.3), dbSNP rs775511449, ClinGen allele CA36879270.